The following is an entry in ClinVar:

NM_005762.3(TRIM28):c.2175C>T (p.Thr725=)

Gene: TRIM28 (tripartite motif containing 28; plus strand). Cytogenetic location: 19q13.43.
Variant type: single nucleotide variant.
Coding change: c.2175C>T on transcript NM_005762.3 (MANE Select); coding-DNA position 2175, C replaced by T.
Protein change: p.Thr725=; no amino-acid change (threonine 725 retained).
Molecular consequence: synonymous variant.
Genome position (GRCh38, 1-based): chr19:58,550,017, C>T. VCF-style: chr19-58550017-C-T. GRCh37 (hg19) VCF-style: chr19-59061384-C-T.
Identifiers: ClinVar variation 3250789 (VCV003250789.18), dbSNP rs147474463.

ClinVar aggregate classification (germline): Likely benign (1 of 4 stars; one submission).

Allele frequency attached by ClinVar (database versions not stated): TOPMed 0.00001; gnomAD 0.00009; 1000 Genomes Project 30x 0.00094; 1000 Genomes Project 0.00100.
gnomAD v4.1: 136 of 1,614,050 alleles (0.0084%); highest among the groups gnomAD compares: East Asian, 0.24%; no homozygotes.

Submission:

CeGaT Center for Human Genetics Tuebingen
Classification: Likely benign. Last evaluated: 2024-06-01. Review status: criteria provided, single submitter. Criteria: CeGaT Center For Human Genetics Tuebingen Variant Classification Criteria Version 2. Collection method: clinical testing. Allele origin: germline. Affected: yes. Observed: 1 variant allele.
Comment: TRIM28: BP4, BP7